The following is an entry in ClinVar:

ClinVar aggregate classification (germline): Uncertain significance (1 of 4 stars; one submission).

Conditions:
HYPERHOMOCYSTEINEMIA, THROMBOTIC, CBS-RELATED. Identifiers: MedGen C3150344, OMIM 236200.

Submission:

Labcorp Genetics (formerly Invitae), Labcorp
Classification: Uncertain significance for HYPERHOMOCYSTEINEMIA, THROMBOTIC, CBS-RELATED. Last evaluated: 2021-10-11. Review status: criteria provided, single submitter. Criteria: Invitae Variant Classification Sherloc (09022015). Collection method: clinical testing. Allele origin: germline.
Comment: This variant is not present in population databases (ExAC no frequency). This sequence change replaces aspartic acid with asparagine at codon 316 of the CBS protein (p.Asp316Asn). The aspartic acid residue is highly conserved and there is a small physicochemical difference between aspartic acid and asparagine. This variant has not been reported in the literature in individuals affected with CBS-related conditions. In summary, the available evidence is currently insufficient to determine the role of this variant in disease. Therefore, it has been classified as a Variant of Uncertain Significance. Algorithms developed to predict the effect of missense changes on protein structure and function are either unavailable or do not agree on the potential impact of this missense change (SIFT: "Deleterious"; PolyPhen-2: "Probably Damaging"; Align-GVGD: "Class C0").

NM_000071.3(CBS):c.946G>A (p.Asp316Asn)

Gene: CBS (cystathionine beta-synthase; minus strand). Cytogenetic location: 21q22.3.
Variant type: single nucleotide variant.
Coding change: c.946G>A on transcript NM_000071.3 (MANE Select); coding-DNA position 946, G replaced by A.
Protein change: p.Asp316Asn; replaces aspartic acid 316 with asparagine.
Molecular consequence: missense variant.
Genome position (GRCh38, 1-based): chr21:43,062,961, C>T on the plus strand (G>A on the coding strand, the complement: CBS is on the minus strand). VCF-style: chr21-43062961-C-T. GRCh37 (hg19) VCF-style: chr21-44483071-C-T.
Other names: c.946G>A, p.Asp316Asn (NM_001178008.3, NM_001178009.3, NM_001320298.2); c.631G>A, p.Asp211Asn (NM_001321072.1); short protein forms D316N, D211N.
Identifiers: ClinVar variation 1500881 (VCV001500881.6), dbSNP rs2146366197, ClinGen allele CA410599947.